The following is an entry in ClinVar:

ClinVar aggregate classification (germline): Uncertain significance. Review status: criteria provided, multiple submitters, no conflicts (2 of 4 stars). 2 submissions from 2 submitters: Uncertain significance (2). Last evaluated 2022-03-07.

Conditions:
Familial hypobetalipoproteinemia 1. Also called: APOB-Related Familial Hypobetalipoproteinemia; Hypobetalipoproteinemia, normotriglyceridemic; Acanthocytosis with hypobetalipoproteinemia. Identifiers: MedGen C4551990, MONDO:0014252, OMIM 615558.
Hypercholesterolemia, autosomal dominant, type B (FHCL2). Also called: Hyperlipoproteinemia Type IIb; Familial hypercholesterolemia 2; Familial Hypercholesterolemia Type B; APOLIPOPROTEIN B-100, FAMILIAL DEFECTIVE; APOLIPOPROTEIN B-100, FAMILIAL LIGAND-DEFECTIVE; HYPERCHOLESTEROLEMIA, FAMILIAL, DUE TO LIGAND-DEFECTIVE APOLIPOPROTEIN B. Identifiers: MedGen C1704417, MONDO:0007751, OMIM 144010.
Cardiovascular phenotype. Identifiers: MedGen CN230736.

gnomAD v4.1: 7 of 1,605,790 alleles (0.00044%); highest among the groups gnomAD compares: East Asian, 0.0022%; no homozygotes.

Submissions (2):

Ambry Genetics
Classification: Uncertain significance for Cardiovascular phenotype. Last evaluated: 2022-03-07. Review status: criteria provided, single submitter. Criteria: Ambry Variant Classification Scheme 2023. Collection method: clinical testing. Allele origin: germline.
Comment: The p.Y1578H variant (also known as c.4732T>C), located in coding exon 26 of the APOB gene, results from a T to C substitution at nucleotide position 4732. The tyrosine at codon 1578 is replaced by histidine, an amino acid with similar properties. This amino acid position is conserved. In addition, this alteration is predicted to be tolerated by in silico analysis. Since supporting evidence is limited at this time, the clinical significance of this alteration remains unclear.

Labcorp Genetics (formerly Invitae), Labcorp
Classification: Uncertain significance for Familial hypobetalipoproteinemia 1; Hypercholesterolemia, autosomal dominant, type B. Last evaluated: 2022-01-17. Review status: criteria provided, single submitter. Criteria: Invitae Variant Classification Sherloc (09022015). Collection method: clinical testing. Allele origin: germline.
Comment: This sequence change replaces tyrosine, which is neutral and polar, with histidine, which is basic and polar, at codon 1578 of the APOB protein (p.Tyr1578His). This variant is not present in population databases (gnomAD no frequency). This variant has not been reported in the literature in individuals affected with APOB-related conditions. Algorithms developed to predict the effect of missense changes on protein structure and function output the following: SIFT: "Tolerated"; PolyPhen-2: "Possibly Damaging"; Align-GVGD: "Class C0". The histidine amino acid residue is found in multiple mammalian species, which suggests that this missense change does not adversely affect protein function. In summary, the available evidence is currently insufficient to determine the role of this variant in disease. Therefore, it has been classified as a Variant of Uncertain Significance.

NM_000384.3(APOB):c.4732T>C (p.Tyr1578His)

Gene: APOB (apolipoprotein B; minus strand). Cytogenetic location: 2p24.1.
Variant type: single nucleotide variant.
Coding change: c.4732T>C on transcript NM_000384.3 (MANE Select); coding-DNA position 4732, T replaced by C.
Protein change: p.Tyr1578His; replaces tyrosine 1578 with histidine.
Molecular consequence: missense variant.
Genome position (GRCh38, 1-based): chr2:21,012,136, A>G on the plus strand (T>C on the coding strand, the complement: APOB is on the minus strand). VCF-style: chr2-21012136-A-G. GRCh37 (hg19) VCF-style: chr2-21235008-A-G.
Other names: short protein forms Y1578H.
Identifiers: ClinVar variation 1742727 (VCV001742727.4), dbSNP rs1270660071, ClinGen allele CA346006251.